The following is an entry in ClinVar:

NM_005932.4(MIPEP):c.82G>A (p.Glu28Lys)

Genes: PCOTH (prostate and testis expressed opposite C1QTNF9B and MIPEP; plus strand), MIPEP (mitochondrial intermediate peptidase; minus strand). Cytogenetic location: 13q12.12.
Variant type: single nucleotide variant.
Coding change: c.82G>A on transcript NM_005932.4 (MANE Select); coding-DNA position 82, G replaced by A.
Protein change: p.Glu28Lys; replaces glutamic acid 28 with lysine.
Molecular consequence: missense variant.
Genome position (GRCh38, 1-based): chr13:23,889,239, C>T on the plus strand (G>A on the coding strand, the complement: MIPEP is on the minus strand). VCF-style: chr13-23889239-C-T. GRCh37 (hg19) VCF-style: chr13-24463378-C-T.
Other names: short protein forms E28K.
Identifiers: ClinVar variation 2421629 (VCV002421629.5), dbSNP rs558479591, ClinGen allele CA6913445.

ClinVar aggregate classification (germline): Uncertain significance (1 of 4 stars; one submission).

Allele frequency attached by ClinVar (database versions not stated): TOPMed below 0.00001; gnomAD exomes 0.00001; gnomAD 0.00002; 1000 Genomes Project 30x 0.00031; 1000 Genomes Project 0.00040; ExAC 0.00056.
gnomAD v4.1: 10 of 1,403,836 alleles (0.00071%); highest among the groups gnomAD compares: Middle Eastern, 0.023%; no homozygotes.

Submission:

Labcorp Genetics (formerly Invitae), Labcorp
Classification: Uncertain significance. Last evaluated: 2022-07-03. Review status: criteria provided, single submitter. Criteria: Invitae Variant Classification Sherloc (09022015). Collection method: clinical testing. Allele origin: germline.
Comment: In summary, the available evidence is currently insufficient to determine the role of this variant in disease. Therefore, it has been classified as a Variant of Uncertain Significance. Algorithms developed to predict the effect of missense changes on protein structure and function (SIFT, PolyPhen-2, Align-GVGD) all suggest that this variant is likely to be tolerated. This variant has not been reported in the literature in individuals affected with MIPEP-related conditions. This variant is present in population databases (rs558479591, gnomAD 0.2%). This sequence change replaces glutamic acid, which is acidic and polar, with lysine, which is basic and polar, at codon 28 of the MIPEP protein (p.Glu28Lys).